The following is an entry in ClinVar:

ClinVar aggregate classification (germline): Conflicting classifications of pathogenicity. Review status: criteria provided, conflicting classifications (1 of 4 stars). 4 submissions from 3 submitters: Likely pathogenic (1); Uncertain significance (2). 1 of the submissions does not count toward it. Last evaluated 2019-05-03.

Conditions:
Severe myoclonic epilepsy in infancy (DRVT). Also called: Epileptic encephalopathy, early infantile, 6 (Dravet syndrome); SEVERE MYOCLONIC EPILEPSY OF INFANCY; Dravet syndrome; DEVELOPMENTAL AND EPILEPTIC ENCEPHALOPATHY 6A; Severe Myoclonic Epilepsy in Infancy (SMEI). Identifiers: Orphanet 33069, MedGen C0751122, MONDO:0100135, OMIM 607208.
Early-infantile DEE. Also called: Early infantile epileptic encephalopathy; Early infantile epileptic encephalopathy with suppression bursts; Ohtahara syndrome. Identifiers: Orphanet 1934, MedGen C0393706, MONDO:0800491.
Generalized epilepsy with febrile seizures plus, type 2 (GEFSP2). Also called: GEFS+, TYPE 2. Identifiers: Orphanet 36387, MedGen C1858673, MONDO:0011461, OMIM 604403.

Submissions (4):

Cytogénomique, Hospices Civils de Lyon
Classification: Likely pathogenic for Generalized epilepsy with febrile seizures plus, type 2. Last evaluated: 2019-05-03. Review status: criteria provided, single submitter. Criteria: ACMG Guidelines, 2015. Collection method: clinical testing. Allele origin: maternal. Inheritance: Autosomal dominant inheritance. Affected: yes. Observed: 1 variant allele, 1 heterozygote.
Comment: Familial segregation

Labcorp Genetics (formerly Invitae), Labcorp
Classification: Uncertain significance for Early-infantile DEE. Last evaluated: 2019-04-16. Review status: criteria provided, single submitter. Criteria: Invitae Variant Classification Sherloc (09022015). Collection method: clinical testing. Allele origin: germline.
Comment: In summary, the available evidence is currently insufficient to determine the role of this variant in disease. Therefore, it has been classified as a Variant of Uncertain Significance. Algorithms developed to predict the effect of missense changes on protein structure and function (SIFT, PolyPhen-2, Align-GVGD) all suggest that this variant is likely to be disruptive, but these predictions have not been confirmed by published functional studies and their clinical significance is uncertain. This variant has not been reported in the literature in individuals with SCN1A-related conditions. This variant is not present in population databases (ExAC no frequency). This sequence change replaces methionine with threonine at codon 1689 of the SCN1A protein (p.Met1689Thr). The methionine residue is highly conserved and there is a moderate physicochemical difference between methionine and threonine.

Cytogénomique, Hospices Civils de Lyon
Classification: Uncertain significance for Severe myoclonic epilepsy in infancy. Last evaluated: 2018-04-04. Review status: criteria provided, single submitter. Criteria: ACMG Guidelines, 2015. Collection method: clinical testing. Allele origin: paternal. Inheritance: Autosomal dominant inheritance. Affected: yes.

Zotz-Klimas Genetics Lab, MVZ Zotz Klimas
Classification: Likely pathogenic for Severe myoclonic epilepsy in infancy. Last evaluated: 2023-11-24. Review status: no assertion criteria provided. Collection method: clinical testing. Allele origin: germline. Affected: yes. Not counted in ClinVar's aggregate classification.

NM_001165963.4(SCN1A):c.5066T>C (p.Met1689Thr)

Genes: SCN1A (sodium voltage-gated channel alpha subunit 1; minus strand), LOC102724058 (uncharacterized LOC102724058; plus strand). Cytogenetic location: 2q24.3.
Variant type: single nucleotide variant.
Coding change: c.5066T>C on transcript NM_001165963.4 (MANE Select); coding-DNA position 5066, T replaced by C.
Protein change: p.Met1689Thr; replaces methionine 1689 with threonine.
Molecular consequence: missense variant. On other transcripts: non-coding transcript variant (1).
Genome position (GRCh38, 1-based): chr2:165,992,209, A>G on the plus strand (T>C on the coding strand, the complement: SCN1A is on the minus strand). VCF-style: chr2-165992209-A-G. GRCh37 (hg19) VCF-style: chr2-166848719-A-G.
Other names: c.4982T>C, p.Met1661Thr (NM_001165964.3, NM_001353957.2, NM_001353958.2); c.5066T>C, p.Met1689Thr (NM_001202435.3, NM_001353948.2); c.5033T>C, p.Met1678Thr (NM_001353949.2, NM_001353950.2, NM_001353951.2 and 2 more transcripts); c.5030T>C, p.Met1677Thr (NM_001353954.2, NM_001353955.2); c.4979T>C, p.Met1660Thr (NM_001353960.2); c.2624T>C, p.Met875Thr (NM_001353961.2); short protein forms M1678T, M1689T, M1661T, M1660T, M875T, M1677T.
Identifiers: ClinVar variation 627412 (VCV000627412.15), dbSNP rs1559104676, ClinGen allele CA349069410.